The following is an entry in ClinVar:

ClinVar aggregate classification (germline): Likely benign (1 of 4 stars; one submission).

gnomAD v4.1: 831 of 1,614,116 alleles (0.051%); highest among the groups gnomAD compares: African/African-American, 1%; 6 homozygotes.

Submission:

CeGaT Center for Human Genetics Tuebingen
Classification: Likely benign. Last evaluated: 2025-12-01. Review status: criteria provided, single submitter. Criteria: CeGaT Center For Human Genetics Tuebingen Variant Classification Criteria Version 2. Collection method: clinical testing. Allele origin: germline. Affected: yes. Observed: 2 variant alleles.
Comment: UBE4A: BP4, BP7, BS1

NM_001204077.2(UBE4A):c.3046A>C (p.Arg1016=)

Genes: UBE4A (ubiquitination factor E4A; plus strand), LOC100131626 (uncharacterized LOC100131626; minus strand). Cytogenetic location: 11q23.3.
Variant type: single nucleotide variant.
Coding change: c.3046A>C on transcript NM_001204077.2 (MANE Select); coding-DNA position 3046, A replaced by C.
Protein change: p.Arg1016=; no amino-acid change (arginine 1016 retained).
Molecular consequence: synonymous variant.
Genome position (GRCh38, 1-based): chr11:118,392,867, A>C. VCF-style: chr11-118392867-A-C. GRCh37 (hg19) VCF-style: chr11-118263582-A-C.
Other names: c.3067A>C, p.Arg1023= (NM_004788.4).
Identifiers: ClinVar variation 4084374 (VCV004084374.8).
Genomic context (GRCh38, chr11:118,392,867, plus strand): 5'-ATTATGAGCACACTGATGTGTGACCCTGTGGTGCTGCCATCTTCCAGAGTCACTGTGGAT[A>C]GATCCACCATTGCAAGACATTTGCTCAGGTAGGCCAGTCCCAAAAACAGACTCAAGAGCA-3'
Protein context (NP_001191006.1, residues 1006-1026): VLPSSRVTVD[Arg1016=]STIARHLLSD